The following is an entry in ClinVar:

NM_178012.5(TUBB2B):c.935C>T (p.Thr312Met)

Gene: TUBB2B (tubulin beta 2B class IIb; minus strand). Cytogenetic location: 6p25.2.
Variant type: single nucleotide variant.
Coding change: c.935C>T on transcript NM_178012.5 (MANE Select); coding-DNA position 935, C replaced by T.
Protein change: p.Thr312Met; replaces threonine 312 with methionine.
Molecular consequence: missense variant.
Genome position (GRCh38, 1-based): chr6:3,225,154, G>A on the plus strand (C>T on the coding strand, the complement: TUBB2B is on the minus strand). VCF-style: chr6-3225154-G-A. GRCh37 (hg19) VCF-style: chr6-3225388-G-A.
Other names: c.935C>T (NM_178012.4); short protein forms T312M.
Identifiers: ClinVar variation 2136360 (VCV002136360.5), dbSNP rs2113819014, ClinGen allele CA362586376.
Genomic context (GRCh38, chr6:3,225,154, plus strand): 5'-TTGAGCATCTGCTCGTCCACCTCCTTCATGGACATGCGGCCCCGGAAGATGGCAGCCACC[G>A]TCAGGTAGCGGCCGTGGCGCGGGTCGCAGGCGGCCATCATGTTCTTGGAGTCGAACATCT-3'
Protein context (NP_821080.1, residues 302-322): ACDPRHGRYL[Thr312Met]VAAIFRGRMS

ClinVar aggregate classification (germline): Conflicting classifications of pathogenicity. Review status: criteria provided, conflicting classifications (1 of 4 stars). 2 submissions from 2 submitters: Pathogenic (1); Uncertain significance (1). Last evaluated 2023-03-13.

Allele frequency attached by ClinVar (database versions not stated): gnomAD 0.00001; 1000 Genomes Project 30x 0.00016.

Submissions (2):

GeneDx
Classification: Pathogenic. Last evaluated: 2023-03-13. Review status: criteria provided, single submitter. Criteria: GeneDx Variant Classification Process June 2021. Collection method: clinical testing. Allele origin: germline. Affected: yes.
Comment: Published functional studies suggest a slightly damaging effect on microtubule assembly (Jaglin et al., 2009); In silico analysis supports that this missense variant has a deleterious effect on protein structure/function; Missense variants in this gene are often considered pathogenic (HGMD); Not observed at significant frequency in large population cohorts (gnomAD); This variant is associated with the following publications: (PMID: 32169460, 19465910, 24077912)

Labcorp Genetics (formerly Invitae), Labcorp
Classification: Uncertain significance. Last evaluated: 2022-09-29. Review status: criteria provided, single submitter. Criteria: Invitae Variant Classification Sherloc (09022015). Collection method: clinical testing. Allele origin: germline.
Comment: This sequence change replaces threonine, which is neutral and polar, with methionine, which is neutral and non-polar, at codon 312 of the TUBB2B protein (p.Thr312Met). This variant is not present in population databases (gnomAD no frequency). This missense change has been observed in individual(s) with cortical malformations (PMID: 19465910). Advanced modeling of protein sequence and biophysical properties (such as structural, functional, and spatial information, amino acid conservation, physicochemical variation, residue mobility, and thermodynamic stability) performed at Invitae indicates that this missense variant is expected to disrupt TUBB2B protein function. Experimental studies have shown that this missense change affects TUBB2B function (PMID: 19465910). In summary, the available evidence is currently insufficient to determine the role of this variant in disease. Therefore, it has been classified as a Variant of Uncertain Significance.

Literature cited by the submitters: PubMed 19465910 (cited by Labcorp Genetics (formerly Invitae), Labcorp).